The following is an entry in ClinVar:

NM_002972.4(SBF1):c.3382C>T (p.Arg1128Cys)

Gene: SBF1 (SET binding factor 1; minus strand). Cytogenetic location: 22q13.33.
Variant type: single nucleotide variant.
Coding change: c.3382C>T on transcript NM_002972.4 (MANE Select); coding-DNA position 3382, C replaced by T.
Protein change: p.Arg1128Cys; replaces arginine 1128 with cysteine.
Molecular consequence: missense variant.
Genome position (GRCh38, 1-based): chr22:50,460,061, G>A on the plus strand (C>T on the coding strand, the complement: SBF1 is on the minus strand). VCF-style: chr22-50460061-G-A. GRCh37 (hg19) VCF-style: chr22-50898490-G-A.
Other names: c.3385C>T, p.Arg1129Cys (NM_001365819.1); short protein forms R1129C, R1128C.
Identifiers: ClinVar variation 1509110 (VCV001509110.8), dbSNP rs747913842, ClinGen allele CA10316739.

ClinVar aggregate classification (germline): Uncertain significance (1 of 4 stars; one submission).

Allele frequency attached by ClinVar (database versions not stated): ExAC 0.00001; gnomAD 0.00001; gnomAD exomes 0.00001; TOPMed 0.00002.
gnomAD v4.1: 10 of 1,613,842 alleles (0.00062%); highest among the groups gnomAD compares: Non-Finnish European, 0.00059%; no homozygotes.

Submission:

Labcorp Genetics (formerly Invitae), Labcorp
Classification: Uncertain significance. Last evaluated: 2021-07-09. Review status: criteria provided, single submitter. Criteria: Invitae Variant Classification Sherloc (09022015). Collection method: clinical testing. Allele origin: germline.
Comment: This sequence change replaces arginine with cysteine at codon 1128 of the SBF1 protein (p.Arg1128Cys). The arginine residue is moderately conserved and there is a large physicochemical difference between arginine and cysteine. This variant is present in population databases (rs747913842, ExAC 0.002%). This variant has not been reported in the literature in individuals affected with SBF1-related conditions. Algorithms developed to predict the effect of missense changes on protein structure and function are either unavailable or do not agree on the potential impact of this missense change (SIFT: "Deleterious"; PolyPhen-2: "Probably Damaging"; Align-GVGD: "Class C0"). In summary, the available evidence is currently insufficient to determine the role of this variant in disease. Therefore, it has been classified as a Variant of Uncertain Significance.